The following is an entry in ClinVar:

ClinVar aggregate classification (germline): Uncertain significance (1 of 4 stars; one submission).

Conditions:
Inborn genetic diseases. Identifiers: MedGen C0950123, MeSH D030342.

Allele frequency attached by ClinVar (database versions not stated): gnomAD 0.00001.
gnomAD v4.1: 1 of 1,613,132 alleles (0.000062%); highest among the groups gnomAD compares: African/African-American, 0.0013%; no homozygotes.

Submission:

Ambry Genetics
Classification: Uncertain significance for Inborn genetic diseases. Last evaluated: 2023-02-17. Review status: criteria provided, single submitter. Criteria: Ambry Variant Classification Scheme 2023. Collection method: clinical testing. Allele origin: germline.
Comment: The p.K2322N variant (also known as c.6966G>T), located in coding exon 47 of the LRRK2 gene, results from a G to T substitution at nucleotide position 6966. The lysine at codon 2322 is replaced by asparagine, an amino acid with similar properties. This amino acid position is conserved. In addition, this alteration is predicted to be tolerated by in silico analysis. Since supporting evidence is limited at this time, the clinical significance of this alteration remains unclear.

NM_198578.4(LRRK2):c.6966G>T (p.Lys2322Asn)

Gene: LRRK2 (leucine rich repeat kinase 2; plus strand). Cytogenetic location: 12q12.
Variant type: single nucleotide variant.
Coding change: c.6966G>T on transcript NM_198578.4 (MANE Select); coding-DNA position 6966, G replaced by T.
Protein change: p.Lys2322Asn; replaces lysine 2322 with asparagine.
Molecular consequence: missense variant.
Genome position (GRCh38, 1-based): chr12:40,359,382, G>T. VCF-style: chr12-40359382-G-T. GRCh37 (hg19) VCF-style: chr12-40753184-G-T.
Other names: short protein forms K2322N.
Identifiers: ClinVar variation 2453116 (VCV002453116.2), dbSNP rs1262819853, ClinGen allele CA384411917.